The following is an entry in ClinVar:

ClinVar aggregate classification (germline): Likely benign. Review status: criteria provided, multiple submitters, no conflicts (2 of 4 stars). 9 submissions from 6 submitters: Likely benign (9). Last evaluated 2026-07-01.

Conditions:
Congenital myopathy 18. Also called: DIHYDROPYRIDINE RECEPTOR CONGENITAL MYOPATHY; DHPR CONGENITAL MYOPATHY; Myopathy, congenital, due to dihydropyridine receptor defect. Identifiers: MedGen C5830283, MONDO:0859514, OMIM 620246.
Malignant hyperthermia, susceptibility to, 5 (MHS5). Also called: CACNA1S-Related Malignant Hyperthermia Susceptibility. Identifiers: Orphanet 423, MedGen C1866077, MONDO:0011163, OMIM 601887.
Thyrotoxic periodic paralysis, susceptibility to, 1 (TTPP1). Identifiers: Orphanet 79102, MedGen C2749982, MONDO:0008570, OMIM 188580.
Hypokalemic periodic paralysis, type 1. Also called: Hypokalemic Periodic Paralysis Type 1 (AD); HypoPP. Identifiers: Orphanet 681, MedGen C3714580, MONDO:0042979, OMIM 170400.
Inborn genetic diseases. Identifiers: MedGen C0950123, MeSH D030342.

Allele frequency attached by ClinVar (database versions not stated): gnomAD 0.00003; gnomAD exomes 0.00003 and 0.00004; TOPMed 0.00004; ExAC 0.00005.
gnomAD v4.1: 44 of 1,613,798 alleles (0.0027%); highest among the groups gnomAD compares: Admixed American, 0.013%; no homozygotes.

Submissions (9):

Ambry Genetics
Classification: Likely benign for Inborn genetic diseases. Last evaluated: 2026-07-01. Review status: criteria provided, single submitter. Criteria: Ambry Variant Classification Scheme 2023. Collection method: clinical testing. Allele origin: germline.

Labcorp Genetics (formerly Invitae), Labcorp
Classification: Likely benign for Hypokalemic periodic paralysis, type 1; Malignant hyperthermia, susceptibility to, 5. Last evaluated: 2024-08-08. Review status: criteria provided, single submitter. Criteria: Invitae Variant Classification Sherloc (09022015). Collection method: clinical testing. Allele origin: germline.

All of Us Research Program, National Institutes of Health
Classification: Likely benign for Malignant hyperthermia, susceptibility to, 5. Last evaluated: 2024-02-05. Review status: criteria provided, single submitter. Criteria: ACMG Guidelines, 2015. Collection method: clinical testing. Allele origin: germline. Inheritance: Autosomal dominant inheritance. Observed: 5 variant alleles, 5 heterozygotes.
Comment: This study involves interpretation of variants in research participants for the purpose of population health screening. Participant phenotype was not available at the time of variant classification. Additional details can be found in publication PMID: 35346344, PMCID: PMC8962531

Genome-Nilou Lab
Classification: Likely benign for Malignant hyperthermia, susceptibility to, 5. Last evaluated: 2023-04-11. Review status: criteria provided, single submitter. Criteria: ACMG Guidelines, 2015. Collection method: clinical testing. Allele origin: germline. Affected: no.

Genome-Nilou Lab
Classification: Likely benign for Thyrotoxic periodic paralysis, susceptibility to, 1. Last evaluated: 2023-04-11. Review status: criteria provided, single submitter. Criteria: ACMG Guidelines, 2015. Collection method: clinical testing. Allele origin: germline. Affected: no.

Genome-Nilou Lab
Classification: Likely benign for Congenital myopathy 18. Last evaluated: 2023-04-11. Review status: criteria provided, single submitter. Criteria: ACMG Guidelines, 2015. Collection method: clinical testing. Allele origin: germline. Affected: no.

Genome-Nilou Lab
Classification: Likely benign for Hypokalemic periodic paralysis, type 1. Last evaluated: 2023-04-11. Review status: criteria provided, single submitter. Criteria: ACMG Guidelines, 2015. Collection method: clinical testing. Allele origin: germline. Affected: no.

Color Diagnostics, LLC DBA Color Health
Classification: Likely benign for Malignant hyperthermia, susceptibility to, 5. Last evaluated: 2022-11-06. Review status: criteria provided, single submitter. Criteria: ACMG Guidelines, 2015. Collection method: clinical testing. Allele origin: germline.

Fulgent Genetics
Classification: Likely benign for Hypokalemic periodic paralysis, type 1; Thyrotoxic periodic paralysis, susceptibility to, 1; Malignant hyperthermia, susceptibility to, 5. Last evaluated: 2021-12-23. Review status: criteria provided, single submitter. Criteria: ACMG Guidelines, 2015. Collection method: clinical testing. Allele origin: unknown.

NM_000069.3(CACNA1S):c.2919C>T (p.Tyr973=)

Gene: CACNA1S (calcium voltage-gated channel subunit alpha1 S; minus strand). Cytogenetic location: 1q32.1.
Variant type: single nucleotide variant.
Coding change: c.2919C>T on transcript NM_000069.3 (MANE Select); coding-DNA position 2919, C replaced by T.
Protein change: p.Tyr973=; no amino-acid change (tyrosine 973 retained).
Molecular consequence: synonymous variant.
Genome position (GRCh38, 1-based): chr1:201,062,078, G>A on the plus strand (C>T on the coding strand, the complement: CACNA1S is on the minus strand). VCF-style: chr1-201062078-G-A. GRCh37 (hg19) VCF-style: chr1-201031206-G-A.
Identifiers: ClinVar variation 541046 (VCV000541046.16), dbSNP rs751043315, ClinGen allele CA079415.
Genomic context (GRCh38, chr1:201,062,078, plus strand): 5'-GCTGTGTACCCACTCGCGGTGACGCAGCTCTATCTGCATGGGGTCCCCGTCCTTGTACAC[G>A]TAGTAGTAGCCCCTGTGGCAGGGAGGCCCAGTCACTCCACAGGGCATGGCTGGGCTGCCT-3'
Protein context (NP_000060.2, residues 963-983): MTEEECRGYY[Tyr973=]VYKDGDPMQI